The following is an entry in ClinVar:

ClinVar aggregate classification (germline): Conflicting classifications of pathogenicity. Review status: criteria provided, conflicting classifications (1 of 4 stars). 5 submissions from 5 submitters: Uncertain significance (2); Likely benign (3). Last evaluated 2025-01-28.

Conditions:
History of neurodevelopmental disorder. Identifiers: MedGen C2711754.
Pitt-Hopkins-like syndrome 2 (PTHSL2). Identifiers: Orphanet 221150, Orphanet 600663, MedGen C3280479, MONDO:0013690, OMIM 614325.

Allele frequency attached by ClinVar (database versions not stated): gnomAD 0.00006 and 0.00007; ExAC 0.00007; ESP Exome Variant Server 0.00008; gnomAD exomes 0.00008 and 0.00018; TOPMed 0.00008; 1000 Genomes Project 0.00020; 1000 Genomes Project 30x 0.00031.
gnomAD v4.1: 267 of 1,614,114 alleles (0.017%); highest among the groups gnomAD compares: Non-Finnish European, 0.021%; no homozygotes.

Submissions (5):

Labcorp Genetics (formerly Invitae), Labcorp
Classification: Likely benign for Pitt-Hopkins-like syndrome 2. Last evaluated: 2025-01-28. Review status: criteria provided, single submitter. Criteria: Invitae Variant Classification Sherloc (09022015). Collection method: clinical testing. Allele origin: germline.

GeneDx
Classification: Likely benign. Last evaluated: 2020-06-28. Review status: criteria provided, single submitter. Criteria: GeneDx Variant Classification Process June 2021. Collection method: clinical testing. Allele origin: germline. Affected: yes.

Illumina Laboratory Services, Illumina
Classification: Uncertain significance for Pitt-Hopkins-like syndrome 2. Last evaluated: 2018-01-13. Review status: criteria provided, single submitter. Criteria: ICSL Variant Classification Criteria 13 December 2019. Collection method: clinical testing. Allele origin: germline.

Ambry Genetics
Classification: Likely benign for History of neurodevelopmental disorder. Last evaluated: 2017-02-03. Review status: criteria provided, single submitter. Criteria: Ambry Autosomal Dominant and X-Linked criteria (10/2015). Collection method: clinical testing. Allele origin: germline. Observed: 1 variant allele.
Comment: In silico models in agreement (benign) ;Synonymous alterations with insufficient evidence to classify as benign

Genetic Services Laboratory, University of Chicago
Classification: Uncertain significance. Last evaluated: 2015-07-23. Review status: criteria provided, single submitter. Criteria: ACMG Guidelines, 2015. Collection method: clinical testing. Allele origin: germline.

NM_001330078.2(NRXN1):c.4248G>A (p.Pro1416=)

Gene: NRXN1 (neurexin 1; minus strand). Cytogenetic location: 2p16.3.
Variant type: single nucleotide variant.
Coding change: c.4248G>A on transcript NM_001330078.2 (MANE Select); coding-DNA position 4248, G replaced by A.
Protein change: p.Pro1416=; no amino-acid change (proline 1416 retained).
Molecular consequence: synonymous variant.
Genome position (GRCh38, 1-based): chr2:49,922,220, C>T on the plus strand (G>A on the coding strand, the complement: NRXN1 is on the minus strand). VCF-style: chr2-49922220-C-T. GRCh37 (hg19) VCF-style: chr2-50149358-C-T.
Other names: c.4368G>A, p.Pro1456= (NM_001135659.3); c.153G>A, p.Pro51= (NM_001320156.4); c.144G>A, p.Pro48= (NM_001320157.4); c.4224G>A, p.Pro1408= (NM_001330077.2); c.4215G>A, p.Pro1405= (NM_001330082.2); c.4083G>A, p.Pro1361= (NM_001330083.2); c.4182G>A, p.Pro1394= (NM_001330084.2); c.4221G>A, p.Pro1407= (NM_001330085.2); and 12 more.
Identifiers: ClinVar variation 211693 (VCV000211693.25), dbSNP rs151195816, ClinGen allele CA206946.